The following is an entry in ClinVar:

NM_000021.4(PSEN1):c.47T>G (p.Met16Arg)

Gene: PSEN1 (presenilin 1; plus strand). Cytogenetic location: 14q24.2.
Variant type: single nucleotide variant.
Coding change: c.47T>G on transcript NM_000021.4 (MANE Select); coding-DNA position 47, T replaced by G.
Protein change: p.Met16Arg; replaces methionine 16 with arginine.
Molecular consequence: missense variant.
Genome position (GRCh38, 1-based): chr14:73,148,066, T>G. VCF-style: chr14-73148066-T-G. GRCh37 (hg19) VCF-style: chr14-73614774-T-G.
Other names: c.47T>G (NM_000021.3); c.47T>G, p.Met16Arg (NM_007318.3); short protein forms M16R.
Identifiers: ClinVar variation 3760975 (VCV003760975.4).

ClinVar aggregate classification (germline): Uncertain significance. Review status: criteria provided, multiple submitters, no conflicts (2 of 4 stars). 3 submissions from 3 submitters: Uncertain significance (3). Last evaluated 2025-11-03.

Conditions:
Pick disease. Also called: PICK DISEASE OF BRAIN; DEMENTIA WITH LOBAR ATROPHY AND NEURONAL CYTOPLASMIC INCLUSIONS; LOBAR ATROPHY OF BRAIN; Pick's disease; Pick Disease of the Brain. Identifiers: Orphanet 282, MedGen C0236642, MONDO:0008243, OMIM 172700.
Alzheimer disease 3 (AD3). Also called: ALZHEIMER DISEASE, FAMILIAL, 3. Identifiers: Orphanet 1020, MedGen C1843013, MONDO:0011913, OMIM 607822.
Frontotemporal dementia (FTD1). Also called: Frontotemporal lobe dementia (FLDEM); FRONTOTEMPORAL LOBAR DEGENERATION WITH TAU INCLUSIONS; FTLD WITH TAU INCLUSIONS; Dementia, frontotemporal, with or without parkinsonism; FRONTOTEMPORAL DEMENTIA WITH PARKINSONISM; FRONTOTEMPORAL LOBE DEMENTIA. Identifiers: Orphanet 282, MedGen C0338451, MONDO:0017276, OMIM 600274, HP:0002145.
Acne inversa, familial, 3 (ACNINV3). Identifiers: MedGen C3151038, MONDO:0013398, OMIM 613737.
Inborn genetic diseases. Identifiers: MedGen C0950123, MeSH D030342.

Submissions (3):

Ambry Genetics
Classification: Uncertain significance for Inborn genetic diseases. Last evaluated: 2025-11-03. Review status: criteria provided, single submitter. Criteria: Ambry Variant Classification Scheme 2023. Collection method: clinical testing. Allele origin: germline.

ARUP Laboratories, Molecular Genetics and Genomics, ARUP Laboratories
Classification: Uncertain significance. Last evaluated: 2025-01-24. Review status: criteria provided, single submitter. Criteria: ARUP Molecular Germline Variant Investigation Process 2024. Collection method: clinical testing. Allele origin: germline.
Comment: The PSEN1 c.47T>G; p.Met16Arg variant (rs199759305), to our knowledge, is not reported in the medical literature or gene specific databases. This variant is also absent from the Genome Aggregation Database (v2.1.1), indicating it is not a common polymorphism. Computational analyses are uncertain whether this variant is neutral or deleterious (REVEL: 0.577). Due to limited information, the clinical significance of this variant is uncertain at this time.

Labcorp Genetics (formerly Invitae), Labcorp
Classification: Uncertain significance for Alzheimer disease 3; Pick disease; Acne inversa, familial, 3; Frontotemporal dementia. Last evaluated: 2024-09-11. Review status: criteria provided, single submitter. Criteria: Invitae Variant Classification Sherloc (09022015). Collection method: clinical testing. Allele origin: germline.
Comment: This sequence change replaces methionine, which is neutral and non-polar, with arginine, which is basic and polar, at codon 16 of the PSEN1 protein (p.Met16Arg). This variant is present in population databases (rs199759305, gnomAD 0.007%). This variant has not been reported in the literature in individuals affected with PSEN1-related conditions. Invitae Evidence Modeling of protein sequence and biophysical properties (such as structural, functional, and spatial information, amino acid conservation, physicochemical variation, residue mobility, and thermodynamic stability) indicates that this missense variant is not expected to disrupt PSEN1 protein function with a negative predictive value of 80%. In summary, the available evidence is currently insufficient to determine the role of this variant in disease. Therefore, it has been classified as a Variant of Uncertain Significance.